The following is an entry in ClinVar:

ClinVar aggregate classification (germline): Uncertain significance (1 of 4 stars; one submission).

Submission:

Labcorp Genetics (formerly Invitae), Labcorp
Classification: Uncertain significance. Last evaluated: 2024-11-11. Review status: criteria provided, single submitter. Criteria: Invitae Variant Classification Sherloc (09022015). Collection method: clinical testing. Allele origin: germline.
Comment: This sequence change replaces glutamic acid with leucine at codon 40 of the PET100 protein (p.Glu40Leu). The glutamic acid residue is highly conserved and there is a moderate physicochemical difference between glutamic acid and leucine. Information on the frequency of this variant in the gnomAD database is not available, as this variant may be reported differently in the database. This variant has not been reported in the literature in individuals affected with PET100-related conditions. ClinVar contains an entry for this variant (Variation ID: 1483685). An algorithm developed to predict the effect of missense changes on protein structure and function (PolyPhen-2) suggests that this variant is likely to be disruptive. In summary, the available evidence is currently insufficient to determine the role of this variant in disease. Therefore, it has been classified as a Variant of Uncertain Significance.

NM_001171155.2(PET100):c.118_119delinsTT (p.Glu40Leu)

Genes: PET100 (PET100 cytochrome c oxidase chaperone; plus strand), STXBP2 (syntaxin binding protein 2; plus strand). Cytogenetic location: 19p13.2.
Variant type: Indel.
Coding change: c.118_119delinsTT on transcript NM_001171155.2 (MANE Select); coding-DNA positions 118 to 119, GA replaced by TT.
Protein change: p.Glu40Leu; replaces glutamic acid 40 with leucine.
Molecular consequence: missense variant. On other transcripts: non-coding transcript variant (1).
Genome position (GRCh38, 1-based): chr19:7,630,826-7,630,827, GA replaced by TT. VCF-style: chr19-7630826-GA-TT. GRCh37 (hg19) VCF-style: chr19-7695712-GA-TT.
Other names: short protein forms E40L.
Identifiers: ClinVar variation 1483685 (VCV001483685.6), dbSNP rs2146193260, ClinGen allele CA2573155901.
Genomic context (GRCh38, chr19:7,630,826, plus strand): 5'-TGATGTGGGGCTCTGGAGGCCTTTGGCTCGTGTCCCATTTGTGACTTTTCCTTACAGAGG[GA>TT]GCTGTGGCCACCTGAGAAGGTAAGTGATCTCTTCTTCCTGCCAGAGGGATGGAGGAGGCT-3'
Protein context (NP_001164626.1, residues 30-50): FEDDVIQRKR[Glu40Leu]LWPPEKLQEI